The following is an entry in ClinVar:

NM_005378.6(MYCN):c.255C>G (p.Asn85Lys)

Genes: MYCN (MYCN proto-oncogene, bHLH transcription factor; plus strand), MYCNOS (MYCN opposite strand; minus strand). Cytogenetic location: 2p24.3.
Variant type: single nucleotide variant.
Coding change: c.255C>G on transcript NM_005378.6 (MANE Select); coding-DNA position 255, C replaced by G.
Protein change: p.Asn85Lys; replaces asparagine 85 with lysine.
Molecular consequence: missense variant. On other transcripts: non-coding transcript variant (1), 3 prime UTR variant (1), intron variant (1).
Genome position (GRCh38, 1-based): chr2:15,942,319, C>G. VCF-style: chr2-15942319-C-G. GRCh37 (hg19) VCF-style: chr2-16082441-C-G.
Other names: c.255C>G (NM_005378.4); c.255C>G, p.Asn85Lys (NM_001293228.2); c.*190C>G (NM_001293233.2); c.157+1576C>G (NM_001293231.2); short protein forms N85K.
Identifiers: ClinVar variation 3716047 (VCV003716047.3).
Genomic context (GRCh38, chr2:15,942,319, plus strand): 5'-TGGCTTCGCGGAGCACAGCTCCGAGCCCCCGAGCTGGGTCACGGAGATGCTGCTTGAGAA[C>G]GAGCTGTGGGGCAGCCCGGCCGAGGAGGACGCGTTCGGCCTGGGGGGACTGGGTGGCCTC-3'
Protein context (NP_005369.2, residues 75-95): PSWVTEMLLE[Asn85Lys]ELWGSPAEED

ClinVar aggregate classification (germline): Conflicting classifications of pathogenicity. Review status: criteria provided, conflicting classifications (1 of 4 stars). 2 submissions from 2 submitters: Uncertain significance (1); Likely benign (1). Last evaluated 2025-11-20.

Conditions:
Inborn genetic diseases. Identifiers: MedGen C0950123, MeSH D030342.

gnomAD v4.1: 14 of 1,608,904 alleles (0.00087%); highest among the groups gnomAD compares: Admixed American, 0.024%; no homozygotes.

Submissions (2):

Ambry Genetics
Classification: Likely benign for Inborn genetic diseases. Last evaluated: 2025-11-20. Review status: criteria provided, single submitter. Criteria: Ambry Variant Classification Scheme 2023. Collection method: clinical testing. Allele origin: germline.

Labcorp Genetics (formerly Invitae), Labcorp
Classification: Uncertain significance. Last evaluated: 2024-07-15. Review status: criteria provided, single submitter. Criteria: Invitae Variant Classification Sherloc (09022015). Collection method: clinical testing. Allele origin: germline.
Comment: This sequence change replaces asparagine, which is neutral and polar, with lysine, which is basic and polar, at codon 85 of the MYCN protein (p.Asn85Lys). This variant is present in population databases (rs747547602, gnomAD 0.04%), and has an allele count higher than expected for a pathogenic variant. This variant has not been reported in the literature in individuals affected with MYCN-related conditions. Advanced modeling of protein sequence and biophysical properties (such as structural, functional, and spatial information, amino acid conservation, physicochemical variation, residue mobility, and thermodynamic stability) performed at Invitae indicates that this missense variant is not expected to disrupt MYCN protein function with a negative predictive value of 80%. In summary, the available evidence is currently insufficient to determine the role of this variant in disease. Therefore, it has been classified as a Variant of Uncertain Significance.